The following is an entry in ClinVar:

NM_005476.7(GNE):c.1412-3C>T

Gene: GNE (glucosamine (UDP-N-acetyl)-2-epimerase/N-acetylmannosamine kinase; minus strand). Cytogenetic location: 9p13.3.
Variant type: single nucleotide variant.
Coding change: c.1412-3C>T on transcript NM_005476.7 (MANE Select); 3 bases into the intron before coding-DNA position 1412, C replaced by T.
Molecular consequence: intron variant.
Genome position (GRCh38, 1-based): chr9:36,223,001, G>A on the plus strand (C>T on the coding strand, the complement: GNE is on the minus strand). VCF-style: chr9-36223001-G-A. GRCh37 (hg19) VCF-style: chr9-36222998-G-A.
Other names: c.1235-3C>T (NM_001190388.2, NM_001374798.1); c.1505-3C>T (NM_001128227.3); c.1082-3C>T (NM_001190384.3); c.1259-3C>T (NM_001374797.1); c.1411+372C>T (NM_001190383.3).
Identifiers: ClinVar variation 2231111 (VCV002231111.2), dbSNP rs1828676950, ClinGen allele CA1846333872.

ClinVar aggregate classification (germline): Uncertain significance (1 of 4 stars; one submission).

Conditions:
Inborn genetic diseases. Identifiers: MedGen C0950123, MeSH D030342.

Allele frequency attached by ClinVar (database versions not stated): TOPMed 0.00001.

Submission:

Ambry Genetics
Classification: Uncertain significance for Inborn genetic diseases. Last evaluated: 2021-05-29. Review status: criteria provided, single submitter. Criteria: Ambry Variant Classification Scheme 2023. Collection method: clinical testing. Allele origin: germline.
Comment: The c.1505-3C>T intronic alteration consists of a C to T substitution 3 nucleotides before coding exon 9 in the GNE gene. Based on insufficient or conflicting evidence, the clinical significance of this alteration remains unclear.